The following is an entry in ClinVar:

NM_001943.5(DSG2):c.998T>C (p.Ile333Thr)

Gene: DSG2 (desmoglein 2; plus strand). Cytogenetic location: 18q12.1.
Variant type: single nucleotide variant.
Coding change: c.998T>C on transcript NM_001943.5 (MANE Select); coding-DNA position 998, T replaced by C.
Protein change: p.Ile333Thr; replaces isoleucine 333 with threonine.
Molecular consequence: missense variant.
Genome position (GRCh38, 1-based): chr18:31,524,872, T>C. VCF-style: chr18-31524872-T-C. GRCh37 (hg19) VCF-style: chr18-29104835-T-C.
Other names: c.998T>C (LRG_397t1); short protein forms I333T.
Identifiers: ClinVar variation 652087 (VCV000652087.10), dbSNP rs773871942, ClinGen allele CA402135958.

ClinVar aggregate classification (germline): Uncertain significance. Review status: criteria provided, multiple submitters, no conflicts (2 of 4 stars). 2 submissions from 2 submitters: Uncertain significance (2). Last evaluated 2024-08-31.

Conditions:
Arrhythmogenic right ventricular dysplasia 10. Also called: Arrhythmogenic right ventricular dysplasia/cardiomyopathy, type 10; Arrhythmogenic Right Ventricular Dysplasia/Cardiomyopathy10; ARRHYTHMOGENIC RIGHT VENTRICULAR DYSPLASIA, FAMILIAL, 10. Identifiers: MedGen C1857777, MONDO:0012434, OMIM 610193.
Cardiovascular phenotype. Identifiers: MedGen CN230736.

Allele frequency attached by ClinVar (database versions not stated): gnomAD 0.00001; TOPMed 0.00002.
gnomAD v4.1: 2 of 1,614,034 alleles (0.00012%); highest among the groups gnomAD compares: African/African-American, 0.0013%; no homozygotes.

Submissions (2):

Labcorp Genetics (formerly Invitae), Labcorp
Classification: Uncertain significance for Arrhythmogenic right ventricular dysplasia 10. Last evaluated: 2024-08-31. Review status: criteria provided, single submitter. Criteria: Invitae Variant Classification Sherloc (09022015). Collection method: clinical testing. Allele origin: germline.
Comment: This sequence change replaces isoleucine, which is neutral and non-polar, with threonine, which is neutral and polar, at codon 333 of the DSG2 protein (p.Ile333Thr). This variant is not present in population databases (gnomAD no frequency). This missense change has been observed in individual(s) with arrythmogenic right ventricular cardiomyopathy (ARVC) and a definite or borderline diagnosis of ARVC (PMID: 21606390, 22036071). In at least one individual the data is consistent with being in trans (on the opposite chromosome) from a pathogenic variant. ClinVar contains an entry for this variant (Variation ID: 652087). Invitae Evidence Modeling of protein sequence and biophysical properties (such as structural, functional, and spatial information, amino acid conservation, physicochemical variation, residue mobility, and thermodynamic stability) indicates that this missense variant is not expected to disrupt DSG2 protein function with a negative predictive value of 95%. In summary, the available evidence is currently insufficient to determine the role of this variant in disease. Therefore, it has been classified as a Variant of Uncertain Significance.

Ambry Genetics
Classification: Uncertain significance for Cardiovascular phenotype. Last evaluated: 2024-04-16. Review status: criteria provided, single submitter. Criteria: Ambry Variant Classification Scheme 2023. Collection method: clinical testing. Allele origin: germline.
Comment: The p.I333T variant (also known as c.998T>C), located in coding exon 8 of the DSG2 gene, results from a T to C substitution at nucleotide position 998. The isoleucine at codon 333 is replaced by threonine, an amino acid with similar properties. This variant co-occurred with another DSG2 alteration in trans in a proband with arrhythmogenic right ventricular cardiomyopathy (ARVC). The proband's mother with only DSG2 p.I333T was reportedly unaffected (Gehmlich K et al. Cardiovasc. Pathol. Oct;21:275-82). This alteration was also reported in a proband with ARVC who also carried a second alteration in DSG2 (Vischer AS et al. Int J Cardiol, 2019 Jul;286:99-103). This amino acid position is highly conserved in available vertebrate species. In addition, this alteration is predicted to be deleterious by in silico analysis. Since supporting evidence is limited at this time, the clinical significance of this alteration remains unclear.

Literature cited by the submitters: PubMed 21606390 (cited by Labcorp Genetics (formerly Invitae), Labcorp and Ambry Genetics); PubMed 22036071 (cited by Labcorp Genetics (formerly Invitae), Labcorp and Ambry Genetics); PubMed 23381804 (cited by Ambry Genetics); PubMed 30765282 (cited by Ambry Genetics).